The following is an entry in ClinVar:

NM_004168.4(SDHA):c.1752_1753inv (p.Arg585Trp)

Gene: SDHA (succinate dehydrogenase complex flavoprotein subunit A; plus strand). Cytogenetic location: 5p15.33.
Variant type: Inversion.
Coding change: c.1752_1753inv on transcript NM_004168.4 (MANE Select).
Protein change: p.Arg585Trp; replaces arginine 585 with tryptophan.
Molecular consequence: missense variant. On other transcripts: intron variant (1).
Genome position: GRCh38 VCF-style: chr5-251426-AC-GT. GRCh37 (hg19) VCF-style: chr5-251541-AC-GT.
Other names: c.1752_1753delACinsGT (NM_004168.2); c.1608_1609inv, p.Arg537Trp (NM_001294332.2); c.1552-2967_1552-2966inv (NM_001330758.2); short protein forms R537W, R585W.
Identifiers: ClinVar variation 568815 (VCV000568815.13), ClinGen allele CA891842547.

ClinVar aggregate classification (germline): Pathogenic/Likely pathogenic. Review status: criteria provided, multiple submitters, no conflicts (2 of 4 stars). 4 submissions from 4 submitters: Pathogenic (2); Likely pathogenic (2). Last evaluated 2025-10-09.

Conditions:
Dilated cardiomyopathy 1GG (CMD1GG). Identifiers: Orphanet 154, MedGen C3150898, MONDO:0013339, OMIM 613642.
Neurodegeneration with ataxia and late-onset optic atrophy. Identifiers: MedGen C5543254, MONDO:0031006, OMIM 619259.
Mitochondrial complex II deficiency, nuclear type 1. Also called: SUCCINATE CoQ REDUCTASE DEFICIENCY. Identifiers: Orphanet 3208, MedGen C5700310, MONDO:0100294, OMIM 252011.
Pheochromocytoma/paraganglioma syndrome 5. Also called: Paragangliomas 5; SDHA-Related Hereditary Paraganglioma-Pheochromocytoma Syndrome. Identifiers: Orphanet 29072, MedGen C3279992, MONDO:0013602, OMIM 614165.
Hereditary cancer-predisposing syndrome. Also called: Neoplastic Syndromes, Hereditary; Tumor predisposition; Hereditary neoplastic syndrome; Hereditary Cancer Syndrome. Identifiers: Orphanet 140162, MedGen C0027672, MeSH D009386, MONDO:0015356.

Submissions (4):

Ambry Genetics
Classification: Pathogenic for Hereditary cancer-predisposing syndrome. Last evaluated: 2025-10-09. Review status: criteria provided, single submitter. Criteria: Ambry Variant Classification Scheme 2023. Collection method: clinical testing. Allele origin: germline.
Comment: The c.1752_1753delACinsGT pathogenic mutation (also known as p.R585W), located in coding exon 13 of the SDHA gene, results from an in-frame deletion of AC and insertion of GT at nucleotide positions 1752 to 1753. This results in the substitution of the arginine residue for a tryptophan residue at codon 585, an amino acid with dissimilar properties. The p.R585W mutation has been identified in multiple individuals with paraganglioma, pheochromocytoma or gastrointestinal stromal tumor (Korpershoek E et al. J. Clin. Endocrinol. Metab. 2011 Sep;96:E1472-6; Rattenberry E et al. J. Clin. Endocrinol. Metab. 2013 Jul;98:E1248-56; Papathomas TG et al. Mod. Pathol. 2015 Jun;28:807-21; Boikos SA et al. JAMA Oncol, 2016 Jul;2:922-8; Casey RT et al. Mol. Genet. Genomic Med. 2017 May;5:237-250; Tufton N et al. Endocr. Relat. Cancer 2017 Jul;24:L43-L49; van der Tuin K et al. J. Clin. Endocrinol. Metab. 2018 Feb;103:438-445; Richter S et al. Genet Med, 2019 03;21:705-717). Another alteration at the same codon, p.R585Q (c.1754G>A), has been detected in multiple individuals with paraganglioma or pheochromocytoma (Curr&aacute;s-Freixes M et al. J Med Genet, 2015 Oct;52:647-56; Ben Aim L et al. J Med Genet, 2019 08;56:513-520; Ambry internal data). Based on internal structural analysis, p.R585W is anticipated to result in a decrease in structural stability (Inaoka DK et al. Int J Mol Sci, 2015 Jul;16:15287-308). This amino acid position is highly conserved in available vertebrate species. In addition, this variant is predicted to be deleterious by in silico analysis (Choi Y et al. PLoS ONE. 2012; 7(10):e46688). This variant is considered to be rare based on population cohorts in the Genome Aggregation Database (gnomAD). Based on the supporting evidence, this alteration is interpreted as a disease-causing mutation.

Labcorp Genetics (formerly Invitae), Labcorp
Classification: Pathogenic for Pheochromocytoma/paraganglioma syndrome 5; Mitochondrial complex II deficiency, nuclear type 1. Last evaluated: 2025-05-13. Review status: criteria provided, single submitter. Criteria: Invitae Variant Classification Sherloc (09022015). Collection method: clinical testing. Allele origin: germline.
Comment: This sequence change replaces arginine, which is basic and polar, with tryptophan, which is neutral and slightly polar, at codon 585 of the SDHA protein (p.Arg585Trp). Information on the frequency of this variant in the gnomAD database is not available, as this variant may be reported differently in the database. This missense change has been observed in individuals with paraganglioma and/or pheochromocytoma (PMID: 21752896, 22517557, 23666964, 25720320, 28500238, 28546994, 29177515, 30050099; internal data). ClinVar contains an entry for this variant (Variation ID: 568815). Experimental studies and prediction algorithms are not available or were not evaluated, and the functional significance of this variant is currently unknown. For these reasons, this variant has been classified as Pathogenic.

Department of Pathology and Laboratory Medicine, Sinai Health System
Classification: Likely pathogenic for Mitochondrial complex II deficiency, nuclear type 1; Dilated cardiomyopathy 1GG; Pheochromocytoma/paraganglioma syndrome 5; Neurodegeneration with ataxia and late-onset optic atrophy. Last evaluated: 2024-04-08. Review status: criteria provided, single submitter. Criteria: ACMG Guidelines, 2015. Collection method: clinical testing. Allele origin: germline.

Myriad Genetics, Inc.
Classification: Likely pathogenic for Pheochromocytoma/paraganglioma syndrome 5. Last evaluated: 2024-02-08. Review status: criteria provided, single submitter. Criteria: Myriad Autosomal Dominant, Autosomal Recessive and X-Linked Classification Criteria (2023). Collection method: clinical testing. Allele origin: unknown.
Comment: This variant is considered likely pathogenic. This variant has been reported in multiple individuals with clinical features of gene-specific disease [PMID: 30050099, 28546994, 21752896, 23666964]. This variant is expected to disrupt protein structure [Myriad internal data].

Literature cited by the submitters: PubMed 21752896 (cited by 3 submitters); PubMed 22517557 (cited by Labcorp Genetics (formerly Invitae), Labcorp); PubMed 23666964 (cited by 3 submitters); PubMed 25720320 (cited by Labcorp Genetics (formerly Invitae), Labcorp and Department of Pathology and Laboratory Medicine, Sinai Health System); PubMed 28500238 (cited by Labcorp Genetics (formerly Invitae), Labcorp and Department of Pathology and Laboratory Medicine, Sinai Health System); PubMed 28546994 (cited by Labcorp Genetics (formerly Invitae), Labcorp and Myriad Genetics, Inc.); PubMed 29177515 (cited by Labcorp Genetics (formerly Invitae), Labcorp and Department of Pathology and Laboratory Medicine, Sinai Health System); PubMed 30050099 (cited by 3 submitters).